The following is an entry in ClinVar:

ClinVar aggregate classification (germline): Uncertain significance. Review status: criteria provided, multiple submitters, no conflicts (2 of 4 stars). 2 submissions from 2 submitters: Uncertain significance (2). Last evaluated 2025-11-29.

Conditions:
Hereditary cancer-predisposing syndrome. Also called: Neoplastic Syndromes, Hereditary; Hereditary Cancer Syndrome; Tumor predisposition; Hereditary neoplastic syndrome. Identifiers: Orphanet 140162, MedGen C0027672, MeSH D009386, MONDO:0015356.
Oligodontia-cancer predisposition syndrome. Also called: TOOTH AGENESIS-COLORECTAL CANCER SYNDROME. Identifiers: Orphanet 300576, MedGen C1837750, MONDO:0012075, OMIM 608615. Disease mechanism: loss of function.

Allele frequency attached by ClinVar (database versions not stated): gnomAD exomes below 0.00001.
gnomAD v4.1: 1 of 1,614,170 alleles (0.000062%); highest among the groups gnomAD compares: Non-Finnish European, 0.000085%; no homozygotes.

Submissions (2):

Ambry Genetics
Classification: Uncertain significance for Hereditary cancer-predisposing syndrome. Last evaluated: 2025-11-29. Review status: criteria provided, single submitter. Criteria: Ambry Variant Classification Scheme 2023. Collection method: clinical testing. Allele origin: germline.
Comment: The p.E336A variant (also known as c.1007A>C), located in coding exon 3 of the AXIN2 gene, results from an A to C substitution at nucleotide position 1007. The glutamic acid at codon 336 is replaced by alanine, an amino acid with dissimilar properties. This amino acid position is conserved. In addition, this alteration is predicted to be deleterious by in silico analysis. Based on the available evidence, the clinical significance of this variant remains unclear.

Labcorp Genetics (formerly Invitae), Labcorp
Classification: Uncertain significance for Oligodontia-cancer predisposition syndrome. Last evaluated: 2025-06-25. Review status: criteria provided, single submitter. Criteria: Invitae Variant Classification Sherloc (09022015). Collection method: clinical testing. Allele origin: germline.
Comment: This sequence change replaces glutamic acid, which is acidic and polar, with alanine, which is neutral and non-polar, at codon 336 of the AXIN2 protein (p.Glu336Ala). This variant is not present in population databases (gnomAD no frequency). This variant has not been reported in the literature in individuals affected with AXIN2-related conditions. ClinVar contains an entry for this variant (Variation ID: 1377721). Invitae Evidence Modeling of protein sequence and biophysical properties (such as structural, functional, and spatial information, amino acid conservation, physicochemical variation, residue mobility, and thermodynamic stability) indicates that this missense variant is not expected to disrupt AXIN2 protein function with a negative predictive value of 80%. In summary, the available evidence is currently insufficient to determine the role of this variant in disease. Therefore, it has been classified as a Variant of Uncertain Significance.

NM_004655.4(AXIN2):c.1007A>C (p.Glu336Ala)

Gene: AXIN2 (axin 2; minus strand). Cytogenetic location: 17q24.1.
Variant type: single nucleotide variant.
Coding change: c.1007A>C on transcript NM_004655.4 (MANE Select); coding-DNA position 1007, A replaced by C.
Protein change: p.Glu336Ala; replaces glutamic acid 336 with alanine.
Molecular consequence: missense variant.
Genome position (GRCh38, 1-based): chr17:65,541,507, T>G on the plus strand (A>C on the coding strand, the complement: AXIN2 is on the minus strand). VCF-style: chr17-65541507-T-G. GRCh37 (hg19) VCF-style: chr17-63537625-T-G.
Other names: c.1007A>C (NM_004655.3); c.1007A>C, p.Glu336Ala (NM_001363813.1); short protein forms E336A.
Identifiers: ClinVar variation 1377721 (VCV001377721.7), dbSNP rs988630121, ClinGen allele CA293100355.